The following is an entry in ClinVar:

ClinVar aggregate classification (germline): Uncertain significance (1 of 4 stars; one submission).

Conditions:
Intellectual developmental disorder, autosomal dominant 1. Also called: MBD5 Haploinsufficiency; Intellectual disability, autosomal dominant 1. Identifiers: Orphanet 228402, MedGen C1969562, MONDO:0007974, OMIM 156200.

Submission:

Labcorp Genetics (formerly Invitae), Labcorp
Classification: Uncertain significance for Intellectual developmental disorder, autosomal dominant 1. Last evaluated: 2023-08-17. Review status: criteria provided, single submitter. Criteria: Invitae Variant Classification Sherloc (09022015). Collection method: clinical testing. Allele origin: germline.
Comment: In summary, the available evidence is currently insufficient to determine the role of this variant in disease. Therefore, it has been classified as a Variant of Uncertain Significance. Algorithms developed to predict the effect of sequence changes on RNA splicing suggest that this variant may disrupt the consensus splice site. This variant has not been reported in the literature in individuals affected with MBD5-related conditions. This variant is not present in population databases (gnomAD no frequency). This sequence change affects codon 46 of the MBD5 mRNA. It is a 'silent' change, meaning that it does not change the encoded amino acid sequence of the MBD5 protein.

NM_001378120.1(MBD5):c.138C>T (p.Cys46=)

Gene: MBD5 (methyl-CpG binding domain protein 5; plus strand). Cytogenetic location: 2q23.1.
Variant type: single nucleotide variant.
Coding change: c.138C>T on transcript NM_001378120.1 (MANE Select); coding-DNA position 138, C replaced by T.
Protein change: p.Cys46=; no amino-acid change (cysteine 46 retained).
Molecular consequence: synonymous variant.
Genome position (GRCh38, 1-based): chr2:148,462,606, C>T. VCF-style: chr2-148462606-C-T. GRCh37 (hg19) VCF-style: chr2-149220175-C-T.
Other names: c.138C>T, p.Cys46= (NM_018328.5).
Identifiers: ClinVar variation 2827419 (VCV002827419.3), dbSNP rs2469807780, ClinGen allele CA429221805.